The following is an entry in ClinVar:

NM_015662.3(IFT172):c.3952-1G>C

Gene: IFT172 (intraflagellar transport 172; minus strand). Cytogenetic location: 2p23.3.
Variant type: single nucleotide variant.
Coding change: c.3952-1G>C on transcript NM_015662.3 (MANE Select); the canonical splice acceptor site of the intron before coding-DNA position 3952, G replaced by C.
Molecular consequence: splice acceptor variant.
Genome position (GRCh38, 1-based): chr2:27,450,097, C>G on the plus strand (G>C on the coding strand, the complement: IFT172 is on the minus strand). VCF-style: chr2-27450097-C-G. GRCh37 (hg19) VCF-style: chr2-27672964-C-G.
Other names: c.3886-1G>C (NM_001410739.1).
Identifiers: ClinVar variation 1515269 (VCV001515269.6), dbSNP rs2148479160, ClinGen allele CA346422497.

ClinVar aggregate classification (germline): Likely pathogenic (1 of 4 stars; one submission).

Conditions:
Retinitis pigmentosa 71 (RP71). Identifiers: Orphanet 791, MedGen C4225342, MONDO:0014618, OMIM 616394.
Short-rib thoracic dysplasia 10 with or without polydactyly (SRTD10). Identifiers: Orphanet 474, MedGen C3810175, MONDO:0014284, OMIM 615630.

Submission:

Labcorp Genetics (formerly Invitae), Labcorp
Classification: Likely pathogenic for Retinitis pigmentosa 71; Short-rib thoracic dysplasia 10 with or without polydactyly. Last evaluated: 2022-11-15. Review status: criteria provided, single submitter. Criteria: Invitae Variant Classification Sherloc (09022015). Collection method: clinical testing. Allele origin: germline.
Comment: In summary, the currently available evidence indicates that the variant is pathogenic, but additional data are needed to prove that conclusively. Therefore, this variant has been classified as Likely Pathogenic. Algorithms developed to predict the effect of sequence changes on RNA splicing suggest that this variant may disrupt the consensus splice site. ClinVar contains an entry for this variant (Variation ID: 1515269). This variant has not been reported in the literature in individuals affected with IFT172-related conditions. This variant is not present in population databases (gnomAD no frequency). This sequence change affects an acceptor splice site in intron 35 of the IFT172 gene. It is expected to disrupt RNA splicing. Variants that disrupt the donor or acceptor splice site typically lead to a loss of protein function (PMID: 16199547), and loss-of-function variants in IFT172 are known to be pathogenic (PMID: 24140113).

Literature cited by the submitters: PubMed 16199547; PubMed 24140113.